The following is an entry in ClinVar:

NM_000548.5(TSC2):c.2933G>T (p.Arg978Leu)

Gene: TSC2 (TSC complex subunit 2; plus strand). Cytogenetic location: 16p13.3.
Variant type: single nucleotide variant.
Coding change: c.2933G>T on transcript NM_000548.5 (MANE Select); coding-DNA position 2933, G replaced by T.
Protein change: p.Arg978Leu; replaces arginine 978 with leucine.
Molecular consequence: missense variant. On other transcripts: intron variant (9).
Genome position (GRCh38, 1-based): chr16:2,077,693, G>T. VCF-style: chr16-2077693-G-T. GRCh37 (hg19) VCF-style: chr16-2127694-G-T.
Other names: c.2933G>T, p.Arg978Leu (NM_001114382.3); c.2837+1108G>T (NM_021055.3, NM_001370405.1, NM_001363528.2 and 2 more transcripts); c.2726+1108G>T (NM_001318827.2); c.2237+1108G>T (NM_001318831.2); c.2690+1108G>T (NM_001318829.2); c.2870+1108G>T (NM_001318832.2); short protein forms R978L.
Identifiers: ClinVar variation 655346 (VCV000655346.11), dbSNP rs876660733, ClinGen allele CA394281419.

ClinVar aggregate classification (germline): Conflicting classifications of pathogenicity. Review status: criteria provided, conflicting classifications (1 of 4 stars). 2 submissions from 2 submitters: Uncertain significance (1); Benign (1). Last evaluated 2022-12-11.

Conditions:
Tuberous sclerosis 2 (TSC2). Identifiers: Orphanet 805, MedGen C1860707, MONDO:0013199, OMIM 613254.
Hereditary cancer-predisposing syndrome. Also called: Neoplastic Syndromes, Hereditary; Hereditary neoplastic syndrome; Hereditary Cancer Syndrome; Tumor predisposition. Identifiers: Orphanet 140162, MedGen C0027672, MeSH D009386, MONDO:0015356.

Allele frequency attached by ClinVar (database versions not stated): gnomAD exomes below 0.00001.

Submissions (2):

Labcorp Genetics (formerly Invitae), Labcorp
Classification: Benign for Tuberous sclerosis 2. Last evaluated: 2022-12-11. Review status: criteria provided, single submitter. Criteria: Invitae Variant Classification Sherloc (09022015). Collection method: clinical testing. Allele origin: germline.

Ambry Genetics
Classification: Uncertain significance for Hereditary cancer-predisposing syndrome. Last evaluated: 2021-11-16. Review status: criteria provided, single submitter. Criteria: Ambry Variant Classification Scheme 2023. Collection method: clinical testing. Allele origin: germline.
Comment: The p.R978L variant (also known as c.2933G>T), located in coding exon 25 of the TSC2 gene, results from a G to T substitution at nucleotide position 2933. The arginine at codon 978 is replaced by leucine, an amino acid with dissimilar properties. This amino acid position is highly conserved in available vertebrate species. In addition, this alteration is predicted to be deleterious by in silico analysis. Since supporting evidence is limited at this time, the clinical significance of this alteration remains unclear.